The following is an entry in ClinVar:

ClinVar aggregate classification (germline): Uncertain significance (1 of 4 stars; one submission).

Allele frequency attached by ClinVar (database versions not stated): gnomAD 0.00001; gnomAD exomes 0.00001; TOPMed 0.00003.
gnomAD v4.1: 21 of 1,613,346 alleles (0.0013%); highest among the groups gnomAD compares: Non-Finnish European, 0.0015%; no homozygotes.

Submission:

GeneDx
Classification: Uncertain significance. Last evaluated: 2023-05-01. Review status: criteria provided, single submitter. Criteria: GeneDx Variant Classification Process June 2021. Collection method: clinical testing. Allele origin: germline. Affected: yes.
Comment: Not observed at significant frequency in large population cohorts (gnomAD); In silico analysis supports that this missense variant does not alter protein structure/function; Has not been previously published as pathogenic or benign to our knowledge

NM_006345.4(SLC30A9):c.1432G>A (p.Val478Ile)

Gene: SLC30A9 (solute carrier family 30 member 9; plus strand). Cytogenetic location: 4p13.
Variant type: single nucleotide variant.
Coding change: c.1432G>A on transcript NM_006345.4 (MANE Select); coding-DNA position 1432, G replaced by A.
Protein change: p.Val478Ile; replaces valine 478 with isoleucine.
Molecular consequence: missense variant.
Genome position (GRCh38, 1-based): chr4:42,075,670, G>A. VCF-style: chr4-42075670-G-A. GRCh37 (hg19) VCF-style: chr4-42077687-G-A.
Other names: short protein forms V478I.
Identifiers: ClinVar variation 2662972 (VCV002662972.1), dbSNP rs909489751, ClinGen allele CA95871614.